The following is an entry in ClinVar:

NM_022370.4(ROBO3):c.873G>A (p.Trp291Ter)

Gene: ROBO3 (roundabout guidance receptor 3; plus strand). Cytogenetic location: 11q24.2.
Variant type: single nucleotide variant.
Coding change: c.873G>A on transcript NM_022370.4 (MANE Select); coding-DNA position 873, G replaced by A.
Protein change: p.Trp291Ter; replaces tryptophan 291 with a stop codon.
Molecular consequence: nonsense.
Genome position (GRCh38, 1-based): chr11:124,870,271, G>A. VCF-style: chr11-124870271-G-A. GRCh37 (hg19) VCF-style: chr11-124740167-G-A.
Other names: short protein forms W291*.
Identifiers: ClinVar variation 4529744 (VCV004529744.1).

ClinVar aggregate classification (germline): Pathogenic (1 of 4 stars; one submission).

gnomAD v4.1: 2 of 1,614,038 alleles (0.00012%); highest among the groups gnomAD compares: Admixed American, 0.0033%; no homozygotes.

Submission:

GeneDx
Classification: Pathogenic. Last evaluated: 2025-05-07. Review status: criteria provided, single submitter. Criteria: GeneDx Variant Classification Process June 2021. Collection method: clinical testing. Allele origin: germline. Affected: yes.
Comment: Nonsense variant predicted to result in protein truncation or nonsense mediated decay in a gene for which loss of function is a known mechanism of disease; Not observed at significant frequency in large population cohorts (gnomAD); This variant is associated with the following publications: (PMID: Baek2016[Suppl])